The following is an entry in ClinVar:

ClinVar aggregate classification (germline): Conflicting classifications of pathogenicity. Review status: criteria provided, conflicting classifications (1 of 4 stars). 6 submissions from 6 submitters: Uncertain significance (4); Likely benign (1). 1 of the submissions does not count toward it. Last evaluated 2025-12-31.

Conditions:
Inborn genetic diseases. Identifiers: MedGen C0950123, MeSH D030342.
Usher syndrome type 1B (USH1B). Also called: Usher syndrome type IB. Identifiers: MedGen C1848638, MONDO:0700087.

Allele frequency attached by ClinVar (database versions not stated): gnomAD 0.00023; TOPMed 0.00023; 1000 Genomes Project 0.00060; ExAC 0.00005; ESP Exome Variant Server 0.00008; gnomAD exomes 0.00001 and 0.00003; 1000 Genomes Project 30x 0.00047.
gnomAD v4.1: 60 of 1,613,382 alleles (0.0037%); highest among the groups gnomAD compares: African/African-American, 0.068%; no homozygotes.

Submissions (6):

Labcorp Genetics (formerly Invitae), Labcorp
Classification: Likely benign. Last evaluated: 2025-12-31. Review status: criteria provided, single submitter. Criteria: Invitae Variant Classification Sherloc (09022015). Collection method: clinical testing. Allele origin: germline.

GeneDx
Classification: Uncertain significance. Last evaluated: 2025-06-16. Review status: criteria provided, single submitter. Criteria: GeneDx Variant Classification Process June 2021. Collection method: clinical testing. Allele origin: germline. Affected: yes.
Comment: In silico analysis supports that this missense variant has a deleterious effect on protein structure/function; Has not been previously published as pathogenic or benign to our knowledge

Ambry Genetics
Classification: Uncertain significance for Inborn genetic diseases. Last evaluated: 2021-07-06. Review status: criteria provided, single submitter. Criteria: Ambry Variant Classification Scheme 2023. Collection method: clinical testing. Allele origin: germline.

Eurofins Ntd Llc (ga)
Classification: Uncertain significance. Last evaluated: 2016-10-15. Review status: criteria provided, single submitter. Criteria: EGL Classification Definitions 2015. Collection method: clinical testing. Allele origin: germline. Observed: 1 variant allele, 1 heterozygote.

Laboratory for Molecular Medicine, Mass General Brigham Personalized Medicine
Classification: Uncertain significance. Last evaluated: 2016-08-04. Review status: criteria provided, single submitter. Criteria: LMM Criteria. Collection method: clinical testing. Allele origin: germline. Observed: 1 variant allele.
Comment: The p.Thr1013Ile variant in MYO7A has not been previously reported in individual s with hearing loss or Usher syndrome, but has been identified in 6/9716 of Afri can chromosomes and by the Exome Aggregation Consortium (ExAC; dbSNP rs369539923). Although this variant has been seen in the ge neral population, its frequency is not high enough to rule out a pathogenic role . Computational prediction tools and conservation analysis do not provide strong support for or against an impact to the protein. In summary, the clinical signi ficance of the p.Thr1013Ile variant is uncertain.

Natera, Inc.
Classification: Uncertain significance for Usher syndrome type 1B. Last evaluated: 2019-11-11. Review status: no assertion criteria provided. Collection method: clinical testing. Allele origin: germline. Not counted in ClinVar's aggregate classification.

NM_000260.4(MYO7A):c.3038C>T (p.Thr1013Ile)

Gene: MYO7A (myosin VIIA; plus strand). Cytogenetic location: 11q13.5.
Variant type: single nucleotide variant.
Coding change: c.3038C>T on transcript NM_000260.4 (MANE Select); coding-DNA position 3038, C replaced by T.
Protein change: p.Thr1013Ile; replaces threonine 1013 with isoleucine.
Molecular consequence: missense variant.
Genome position (GRCh38, 1-based): chr11:77,182,084, C>T. VCF-style: chr11-77182084-C-T. GRCh37 (hg19) VCF-style: chr11-76893130-C-T.
Other names: c.3038C>T, p.Thr1013Ile (NM_001127180.2); c.3005C>T, p.Thr1002Ile (NM_001369365.1); short protein forms T1013I, T1002I.
Identifiers: ClinVar variation 497680 (VCV000497680.19), dbSNP rs369539923, ClinGen allele CA224841749.